The following is an entry in ClinVar:

ClinVar aggregate classification (germline): Uncertain significance. Review status: criteria provided, multiple submitters, no conflicts (2 of 4 stars). 2 submissions from 2 submitters: Uncertain significance (2). Last evaluated 2025-09-11.

Conditions:
Primary ciliary dyskinesia. Also called: Ciliary dyskinesia. Identifiers: Orphanet 244, MedGen C0008780, MONDO:0016575, HP:0012265.

Allele frequency attached by ClinVar (database versions not stated): ExAC 0.00001; gnomAD exomes 0.00001 and 0.00002; gnomAD 0.00005; TOPMed 0.00017.
gnomAD v4.1: 23 of 1,609,558 alleles (0.0014%); highest among the groups gnomAD compares: Admixed American, 0.027%; no homozygotes.

Submissions (2):

Ambry Genetics
Classification: Uncertain significance for Primary ciliary dyskinesia. Last evaluated: 2025-09-11. Review status: criteria provided, single submitter. Criteria: Ambry Variant Classification Scheme 2023. Collection method: clinical testing. Allele origin: germline.

Labcorp Genetics (formerly Invitae), Labcorp
Classification: Uncertain significance for Primary ciliary dyskinesia. Last evaluated: 2022-02-11. Review status: criteria provided, single submitter. Criteria: Invitae Variant Classification Sherloc (09022015). Collection method: clinical testing. Allele origin: germline.
Comment: This sequence change replaces proline, which is neutral and non-polar, with arginine, which is basic and polar, at codon 323 of the DNAAF2 protein (p.Pro323Arg). This variant is present in population databases (rs750921798, gnomAD 0.009%). This variant has not been reported in the literature in individuals affected with DNAAF2-related conditions. ClinVar contains an entry for this variant (Variation ID: 949803). Algorithms developed to predict the effect of missense changes on protein structure and function are either unavailable or do not agree on the potential impact of this missense change (SIFT: "Deleterious"; PolyPhen-2: "Probably Damaging"; Align-GVGD: "Class C0"). In summary, the available evidence is currently insufficient to determine the role of this variant in disease. Therefore, it has been classified as a Variant of Uncertain Significance.

NM_018139.3(DNAAF2):c.968C>G (p.Pro323Arg)

Gene: DNAAF2 (dynein axonemal assembly factor 2; minus strand). Cytogenetic location: 14q21.3.
Variant type: single nucleotide variant.
Coding change: c.968C>G on transcript NM_018139.3 (MANE Select); coding-DNA position 968, C replaced by G.
Protein change: p.Pro323Arg; replaces proline 323 with arginine.
Molecular consequence: missense variant.
Genome position (GRCh38, 1-based): chr14:49,634,182, G>C on the plus strand (C>G on the coding strand, the complement: DNAAF2 is on the minus strand). VCF-style: chr14-49634182-G-C. GRCh37 (hg19) VCF-style: chr14-50100900-G-C.
Other names: c.968C>G, p.Pro323Arg (NM_001083908.2); short protein forms P323R.
Identifiers: ClinVar variation 949803 (VCV000949803.8), dbSNP rs750921798, ClinGen allele CA7172984.